The following is an entry in ClinVar:

NM_000102.4(CYP17A1):c.1085G>A (p.Arg362His)

Gene: CYP17A1 (cytochrome P450 family 17 subfamily A member 1; minus strand). Cytogenetic location: 10q24.32.
Variant type: single nucleotide variant.
Coding change: c.1085G>A on transcript NM_000102.4 (MANE Select); coding-DNA position 1085, G replaced by A.
Protein change: p.Arg362His; replaces arginine 362 with histidine.
Molecular consequence: missense variant.
Genome position (GRCh38, 1-based): chr10:102,832,565, C>T on the plus strand (G>A on the coding strand, the complement: CYP17A1 is on the minus strand). VCF-style: chr10-102832565-C-T. GRCh37 (hg19) VCF-style: chr10-104592322-C-T.
Other names: short protein forms R362H.
Identifiers: ClinVar variation 941267 (VCV000941267.10), dbSNP rs752811843, ClinGen allele CA5669407.

ClinVar aggregate classification (germline): Pathogenic/Likely pathogenic. Review status: criteria provided, multiple submitters, no conflicts (2 of 4 stars). 3 submissions from 3 submitters: Pathogenic (2); Likely pathogenic (1). Last evaluated 2026-01-24.

Conditions:
Deficiency of steroid 17-alpha-monooxygenase. Also called: ADRENAL HYPERPLASIA V; 17-ALPHA-HYDROXYLASE DEFICIENCY; Congenital adrenal hyperplasia due to 17-alpha-hydroxylase deficiency; Congenital adrenal hyperplasia type 5; 17-alpha-hydroxylase/17,20-lyase deficiency. Identifiers: Orphanet 90793, MedGen C0268285, MONDO:0008730, OMIM 202110.

Allele frequency attached by ClinVar (database versions not stated): gnomAD 0.00001; gnomAD exomes 0.00001 and 0.00003; TOPMed 0.00002; ExAC 0.00004.
gnomAD v4.1: 12 of 1,611,212 alleles (0.00074%); highest among the groups gnomAD compares: Admixed American, 0.018%; no homozygotes.

Submissions (3):

Labcorp Genetics (formerly Invitae), Labcorp
Classification: Pathogenic. Last evaluated: 2026-01-24. Review status: criteria provided, single submitter. Criteria: Invitae Variant Classification Sherloc (09022015). Collection method: clinical testing. Allele origin: germline.
Comment: This sequence change replaces arginine, which is basic and polar, with histidine, which is basic and polar, at codon 362 of the CYP17A1 protein (p.Arg362His). This variant is present in population databases (rs752811843, gnomAD 0.01%). This missense change has been observed in individual(s) with clinical features of congenital adrenal hyperplasia (PMID: 19728179, 29595516). In at least one individual the data is consistent with being in trans (on the opposite chromosome) from a pathogenic variant. ClinVar contains an entry for this variant (Variation ID: 941267). Invitae Evidence Modeling of protein sequence and biophysical properties (such as structural, functional, and spatial information, amino acid conservation, physicochemical variation, residue mobility, and thermodynamic stability) indicates that this missense variant is expected to disrupt CYP17A1 protein function with a positive predictive value of 95%. Experimental studies have shown that this missense change affects CYP17A1 function (PMID: 24140098). This variant disrupts the p.Arg362 amino acid residue in CYP17A1. Other variant(s) that disrupt this residue have been determined to be pathogenic (PMID: 14715827, 17379008, 21340157). This suggests that this residue is clinically significant, and that variants that disrupt this residue are likely to be disease-causing. For these reasons, this variant has been classified as Pathogenic.

Natera, Inc.
Classification: Pathogenic for Deficiency of steroid 17-alpha-monooxygenase. Last evaluated: 2025-12-08. Review status: criteria provided, single submitter. Criteria: Natera Variant Classification Schema (03/2026). Collection method: clinical testing. Allele origin: germline.
Comment: The c.1085G>A variant in CYP17A1 is a missense variant predicted to cause substitution of arginine to histidine at amino acid 362. This variant is rare in the general population with a frequency below the threshold expected for the associated phenotype(s). This variant has been observed in one or more individuals affected with the associated recessive disease, as either homozygous or compound heterozygous with a second variant (PMID: 19728179, 26920256, 29595516, 33864926, 36800681, 38934795). A different variant at the same position has been determined to be Pathogenic or Likely Pathogenic. Computational prediction algorithms indicate this variant is likely to affect gene or protein function. Given the available evidence, this variant is classified as Pathogenic.

Baylor Genetics
Classification: Likely pathogenic for Deficiency of steroid 17-alpha-monooxygenase. Last evaluated: 2023-06-29. Review status: criteria provided, single submitter. Criteria: ACMG Guidelines, 2015. Collection method: clinical testing. Allele origin: unknown.

Literature cited by the submitters: PubMed 19728179 (cited by Labcorp Genetics (formerly Invitae), Labcorp and Natera, Inc.); PubMed 29595516 (cited by Labcorp Genetics (formerly Invitae), Labcorp and Natera, Inc.); PubMed 24140098 (cited by Labcorp Genetics (formerly Invitae), Labcorp); PubMed 14715827 (cited by Labcorp Genetics (formerly Invitae), Labcorp); PubMed 17379008 (cited by Labcorp Genetics (formerly Invitae), Labcorp); PubMed 21340157 (cited by Labcorp Genetics (formerly Invitae), Labcorp); PubMed 26920256 (cited by Natera, Inc.); PubMed 33864926 (cited by Natera, Inc.); PubMed 36800681 (cited by Natera, Inc.); PubMed 38934795 (cited by Natera, Inc.).